The following is an entry in ClinVar:

NM_000179.3(MSH6):c.3224_3225del (p.Cys1075fs)

Gene: MSH6 (mutS homolog 6; plus strand). Cytogenetic location: 2p16.3.
Variant type: Microsatellite.
Coding change: c.3224_3225del on transcript NM_000179.3 (MANE Select); coding-DNA positions 3224 to 3225, 2 bases deleted (GT; older notation c.3224_3225delGT).
Protein change: p.Cys1075fs; shifts the reading frame from cysteine 1075.
Molecular consequence: frameshift variant.
Genome position (GRCh38, 1-based): chr2:47,803,471-47,803,472, GT deleted; deleting any 2 consecutive bases within chr2:47,803,468-47,803,472 gives the same sequence; the c. name uses the placement nearest the transcript's 3' end. VCF-style (leftmost placement, unchanged base first): chr2-47803467-ATG-A. GRCh37 (hg19) VCF-style: chr2-48030606-ATG-A.
Other names: c.3222_3223GT[1], p.Cys1075Serfs (NM_000179.2, NM_001406796.1, NM_001406800.1 and 2 more transcripts); c.2834_2835del, p.Cys945fs (NM_001281492.2); c.2318_2319del, p.Cys773fs (NM_001281493.2, NM_001281494.2); c.3318_3319GT[1], p.Cys1107Serfs (NM_001406795.1, NM_001406802.1); c.2925_2926GT[1], p.Cys976Serfs (NM_001406797.1, NM_001406801.1, NM_001406805.1 and 10 more transcripts); c.2697_2698GT[1], p.Cys900Serfs (NM_001406799.1, NM_001406806.1, NM_001406807.1); c.2358_2359GT[1], p.Cys787Serfs (NM_001406803.1); c.3144_3145GT[1], p.Cys1049Serfs (NM_001406804.1); and 8 more; short protein forms C1075fs, C773fs, C945fs.
Identifiers: ClinVar variation 1729107 (VCV001729107.12), dbSNP rs2530760712, ClinGen allele CA1139771092.
Genomic context (GRCh38, chr2:47,803,467, plus strand): 5'-TCTCTTTTAACAGATGTTTTACTGTGCCTGGCTAACTATAGTCGAGGGGGTGATGGTCCT[ATG>A]TGTCGCCCAGTAATTCTGTTGCCGGAAGATACCCCCCCCTTCTTAGAGCTTAAAGGATCA-3'

ClinVar aggregate classification (germline): Pathogenic. Review status: criteria provided, multiple submitters, no conflicts (2 of 4 stars). 2 submissions from 2 submitters: Pathogenic (2). Last evaluated 2025-06-01.

Conditions:
Hereditary cancer-predisposing syndrome. Also called: Hereditary neoplastic syndrome; Tumor predisposition; Neoplastic Syndromes, Hereditary; Hereditary Cancer Syndrome. Identifiers: Orphanet 140162, MedGen C0027672, MeSH D009386, MONDO:0015356.

Submissions (2):

CeGaT Center for Human Genetics Tuebingen
Classification: Pathogenic. Last evaluated: 2025-06-01. Review status: criteria provided, single submitter. Criteria: CeGaT Center For Human Genetics Tuebingen Variant Classification Criteria Version 2. Collection method: clinical testing. Allele origin: germline. Affected: yes. Observed: 1 variant allele.
Comment: MSH6: PVS1, PM2

Ambry Genetics
Classification: Pathogenic for Hereditary cancer-predisposing syndrome. Last evaluated: 2019-10-23. Review status: criteria provided, single submitter. Criteria: Ambry Variant Classification Scheme 2023. Collection method: clinical testing. Allele origin: germline.
Comment: The c.3224_3225delGT pathogenic mutation, located in coding exon 5 of the MSH6 gene, results from a deletion of two nucleotides at nucleotide positions 3224 to 3225, causing a translational frameshift with a predicted alternate stop codon (p.C1075Sfs*17). This alteration is expected to result in loss of function by premature protein truncation or nonsense-mediated mRNA decay. As such, this alteration is interpreted as a disease-causing mutation.